The following is an entry in ClinVar:

NM_001134363.3(RBM20):c.1309G>T (p.Ala437Ser)

Gene: RBM20 (RNA binding motif protein 20; plus strand). Cytogenetic location: 10q25.2.
Variant type: single nucleotide variant.
Coding change: c.1309G>T on transcript NM_001134363.3 (MANE Select); coding-DNA position 1309, G replaced by T.
Protein change: p.Ala437Ser; replaces alanine 437 with serine.
Molecular consequence: missense variant.
Genome position (GRCh38, 1-based): chr10:110,783,399, G>T. VCF-style: chr10-110783399-G-T. GRCh37 (hg19) VCF-style: chr10-112543157-G-T.
Other names: c.1309G>T (LRG_382t1); short protein forms A437S.
Identifiers: ClinVar variation 635230 (VCV000635230.6), dbSNP rs939425427, ClinGen allele CA378387334.
Genomic context (GRCh38, chr10:110,783,399, plus strand): 5'-GGTCACTTTTCTTTCCTTCTGACCTAGGACTGGGAGCTGCATGTGAAAGGGAAGCTGCAC[G>T]CTCAGAAATGCCTGGTCTTCTCTGAAAAGTAAGTGCTGTTCAGGAGGACAGGCTCATGCG-3'
Protein context (NP_001127835.2, residues 427-447): WELHVKGKLH[Ala437Ser]QKCLVFSENA

ClinVar aggregate classification (germline): Uncertain significance. Review status: criteria provided, multiple submitters, no conflicts (2 of 4 stars). 3 submissions from 3 submitters: Uncertain significance (3). Last evaluated 2025-05-27.

Conditions:
Dilated cardiomyopathy 1DD (CMD1DD). Identifiers: Orphanet 154, MedGen C2750995, MONDO:0013168, OMIM 613172.
Cardiovascular phenotype. Identifiers: MedGen CN230736.

gnomAD v4.1: 2 of 1,551,442 alleles (0.00013%); highest among the groups gnomAD compares: African/African-American, 0.0014%; no homozygotes.

Submissions (3):

Labcorp Genetics (formerly Invitae), Labcorp
Classification: Uncertain significance for Dilated cardiomyopathy 1DD. Last evaluated: 2025-05-27. Review status: criteria provided, single submitter. Criteria: Invitae Variant Classification Sherloc (09022015). Collection method: clinical testing. Allele origin: germline.
Comment: This sequence change replaces alanine, which is neutral and non-polar, with serine, which is neutral and polar, at codon 437 of the RBM20 protein (p.Ala437Ser). This variant is not present in population databases (gnomAD no frequency). This variant has not been reported in the literature in individuals affected with RBM20-related conditions. ClinVar contains an entry for this variant (Variation ID: 635230). Invitae Evidence Modeling of protein sequence and biophysical properties (such as structural, functional, and spatial information, amino acid conservation, physicochemical variation, residue mobility, and thermodynamic stability) indicates that this missense variant is not expected to disrupt RBM20 protein function with a negative predictive value of 95%. In summary, the available evidence is currently insufficient to determine the role of this variant in disease. Therefore, it has been classified as a Variant of Uncertain Significance.

Ambry Genetics
Classification: Uncertain significance for Cardiovascular phenotype. Last evaluated: 2023-11-08. Review status: criteria provided, single submitter. Criteria: Ambry Variant Classification Scheme 2023. Collection method: clinical testing. Allele origin: germline.
Comment: The p.A437S variant (also known as c.1309G>T), located in coding exon 3 of the RBM20 gene, results from a G to T substitution at nucleotide position 1309. The alanine at codon 437 is replaced by serine, an amino acid with similar properties. This amino acid position is conserved. In addition, this alteration is predicted to be tolerated by in silico analysis. Since supporting evidence is limited at this time, the clinical significance of this alteration remains unclear.

Stanford Center for Inherited Cardiovascular Disease, Stanford University
Classification: Uncertain significance. Last evaluated: 2016-06-20. Review status: criteria provided, single submitter. Criteria: ACMG Guidelines, 2015. Collection method: provider interpretation. Allele origin: germline.